The following is an entry in ClinVar:

NM_018946.4(NANS):c.356T>G (p.Val119Gly)

Genes: NANS (N-acetylneuraminate synthase; plus strand), TRIM14 (tripartite motif containing 14; minus strand). Cytogenetic location: 9q22.33.
Variant type: single nucleotide variant.
Coding change: c.356T>G on transcript NM_018946.4 (MANE Select); coding-DNA position 356, T replaced by G.
Protein change: p.Val119Gly; replaces valine 119 with glycine.
Molecular consequence: missense variant.
Genome position (GRCh38, 1-based): chr9:98,076,925, T>G. VCF-style: chr9-98076925-T-G. GRCh37 (hg19) VCF-style: chr9-100839207-T-G.
Other names: c.356T>G (NM_018946.3); short protein forms V119G.
Identifiers: ClinVar variation 1397813 (VCV001397813.7), dbSNP rs200564294, ClinGen allele CA5150264.

ClinVar aggregate classification (germline): Uncertain significance. Review status: criteria provided, multiple submitters, no conflicts (2 of 4 stars). 2 submissions from 2 submitters: Uncertain significance (2). Last evaluated 2025-01-10.

Conditions:
Inborn genetic diseases. Identifiers: MedGen C0950123, MeSH D030342.

Allele frequency attached by ClinVar (database versions not stated): ExAC 0.00001; gnomAD 0.00001; gnomAD exomes 0.00001; 1000 Genomes Project 0.00020; 1000 Genomes Project 30x 0.00031.
gnomAD v4.1: 9 of 1,610,212 alleles (0.00056%); highest among the groups gnomAD compares: Admixed American, 0.01%; no homozygotes.

Submissions (2):

Ambry Genetics
Classification: Uncertain significance for Inborn genetic diseases. Last evaluated: 2025-01-10. Review status: criteria provided, single submitter. Criteria: Ambry Variant Classification Scheme 2023. Collection method: clinical testing. Allele origin: germline.

Labcorp Genetics (formerly Invitae), Labcorp
Classification: Uncertain significance. Last evaluated: 2021-10-25. Review status: criteria provided, single submitter. Criteria: Invitae Variant Classification Sherloc (09022015). Collection method: clinical testing. Allele origin: germline.
Comment: This variant is present in population databases (rs200564294, ExAC 0.009%). In summary, the available evidence is currently insufficient to determine the role of this variant in disease. Therefore, it has been classified as a Variant of Uncertain Significance. Algorithms developed to predict the effect of sequence changes on RNA splicing suggest that this variant may create or strengthen a splice site. Algorithms developed to predict the effect of missense changes on protein structure and function (SIFT, PolyPhen-2, Align-GVGD) all suggest that this variant is likely to be disruptive. This variant has not been reported in the literature in individuals affected with NANS-related conditions. This sequence change replaces valine with glycine at codon 119 of the NANS protein (p.Val119Gly). The valine residue is highly conserved and there is a moderate physicochemical difference between valine and glycine.